The following is an entry in ClinVar:

NM_001365951.3(KIF1B):c.3130-5T>G

Gene: KIF1B (kinesin family member 1B; plus strand). Cytogenetic location: 1p36.22.
Variant type: single nucleotide variant.
Coding change: c.3130-5T>G on transcript NM_001365951.3 (MANE Select); 5 bases into the intron before coding-DNA position 3130, T replaced by G.
Molecular consequence: intron variant.
Genome position (GRCh38, 1-based): chr1:10,337,069, T>G. VCF-style: chr1-10337069-T-G. GRCh37 (hg19) VCF-style: chr1-10397127-T-G.
Other names: c.2992-5T>G (NM_015074.3); c.3130-5T>G (NM_001365952.1).
Identifiers: ClinVar variation 3864032 (VCV003864032.1).
Genomic context (GRCh38, chr1:10,337,069, plus strand): 5'-GGCAACTGGGGAAAAATACGTTTTTATACTACTTTACCATGTATCTGCCCCTGCCTTTTT[T>G]TCAGAGTGACTTTTCGTCTGTTGCAATGACTCGTTCTGGTCTGTCCTTGGAGGAGTTGAG-3'

ClinVar aggregate classification (germline): Uncertain significance (1 of 4 stars; one submission).

Submission:

Ambry Genetics
Classification: Uncertain significance. Last evaluated: 2024-12-19. Review status: criteria provided, single submitter. Criteria: Ambry Variant Classification Scheme 2023. Collection method: clinical testing. Allele origin: germline.
Comment: The c.2992-5T>G intronic variant results from a T to G substitution 5 nucleotides upstream from coding exon 27 in the KIF1B gene. This nucleotide position is well conserved in available vertebrate species. In silico splice site analysis predicts that this alteration may weaken the native splice acceptor site. The evidence for this gene-disease relationship is limited; therefore, the clinical significance of this alteration is unclear.